The following is an entry in ClinVar:

ClinVar aggregate classification (germline): Uncertain significance (1 of 4 stars; one submission).

Allele frequency attached by ClinVar (database versions not stated): gnomAD exomes 0.00001.

Submission:

Labcorp Genetics (formerly Invitae), Labcorp
Classification: Uncertain significance. Last evaluated: 2023-01-09. Review status: criteria provided, single submitter. Criteria: Invitae Variant Classification Sherloc (09022015). Collection method: clinical testing. Allele origin: germline.
Comment: In summary, the available evidence is currently insufficient to determine the role of this variant in disease. Therefore, it has been classified as a Variant of Uncertain Significance. Algorithms developed to predict the effect of missense changes on protein structure and function are either unavailable or do not agree on the potential impact of this missense change (SIFT: "Deleterious"; PolyPhen-2: "Probably Damaging"; Align-GVGD: "Class C0"). This variant has not been reported in the literature in individuals affected with FSCN2-related conditions. This variant is not present in population databases (gnomAD no frequency). This sequence change replaces serine, which is neutral and polar, with glycine, which is neutral and non-polar, at codon 257 of the FSCN2 protein (p.Ser257Gly).

NM_012418.4(FSCN2):c.769A>G (p.Ser257Gly)

Gene: FSCN2 (fascin actin-bundling protein 2, retinal; plus strand). Cytogenetic location: 17q25.3.
Variant type: single nucleotide variant.
Coding change: c.769A>G on transcript NM_012418.4 (MANE Select); coding-DNA position 769, A replaced by G.
Protein change: p.Ser257Gly; replaces serine 257 with glycine.
Molecular consequence: missense variant.
Genome position (GRCh38, 1-based): chr17:81,529,300, A>G. VCF-style: chr17-81529300-A-G. GRCh37 (hg19) VCF-style: chr17-79496326-A-G.
Other names: c.769A>G, p.Ser257Gly (NM_001077182.3); short protein forms S257G.
Identifiers: ClinVar variation 1995170 (VCV001995170.4), dbSNP rs1354683503, ClinGen allele CA401473863.